The following is an entry in ClinVar:

ClinVar aggregate classification (germline): Pathogenic. Review status: reviewed by expert panel (3 of 4 stars). 19 submissions from 18 submitters: Pathogenic (1). 18 of the submissions do not count toward it. Last evaluated 2017-03-17.

Conditions:
CFTR-related disorder (CFTR-RD). Also called: CFTR-related condition; CFTR-related disorders. Identifiers: MedGen C5924204, MONDO:7770004.
Cystic fibrosis (CF). Also called: MUCOVISCIDOSIS. Identifiers: Orphanet 586, MedGen C0010674, MONDO:0009061, OMIM 219700. Disease mechanism: loss of function.
Bronchiectasis with or without elevated sweat chloride 1 (BESC1). Also called: Cystic Fibrosis-Like Syndrome. Identifiers: Orphanet 60033, MedGen C2749757, MONDO:0008887, OMIM 211400.
Congenital bilateral aplasia of vas deferens from CFTR mutation (CBAVD). Identifiers: Orphanet 48, MedGen C0403814, MONDO:0010178, OMIM 277180. Disease mechanism: loss of function.
Hereditary pancreatitis (PCTT). Also called: PRSS1-Related Hereditary Pancreatitis; Hereditary chronic pancreatitis. Identifiers: Orphanet 676, MedGen C0238339, MONDO:0008185, OMIM 167800.

Allele frequency attached by ClinVar (database versions not stated): gnomAD exomes below 0.00001 and 0.00001; gnomAD 0.00001; TOPMed 0.00002.

Submissions 1 to 12 of 19:

CFTR2
Classification: Pathogenic for Cystic fibrosis. Last evaluated: 2017-03-17. Review status: reviewed by expert panel. Criteria: Sosnay PR et al. (Nat Genet 2013). Collection method: research. Allele origin: germline. Affected: yes. Study: CFTR2.

PreventionGenetics, part of Exact Sciences
Classification: Pathogenic for CFTR-related condition. Last evaluated: 2026-02-12. Review status: criteria provided, single submitter. Criteria: ACMG Guidelines, 2015. Collection method: clinical testing. Allele origin: germline. Not counted in ClinVar's aggregate classification.
Comment: The CFTR c.3744delA variant is predicted to result in a frameshift and premature protein termination (p.Lys1250Argfs*9). This variant has previously been reported to be causative for cystic fibrosis (CF) and CFTR-related disorders (Wang et al. 2000. PubMed ID:10777364; Ooi et al. 2012. PubMed ID: 22658665; Sosnay et al. 2013. PubMed ID: 23974870). This variant is reported in 0.0087% of alleles in individuals of Latino descent in gnomAD. Frameshift variants in CFTR are expected to be pathogenic. This variant is interpreted as pathogenic.

Labcorp Genetics (formerly Invitae), Labcorp
Classification: Pathogenic for Cystic fibrosis. Last evaluated: 2026-01-17. Review status: criteria provided, single submitter. Criteria: Invitae Variant Classification Sherloc (09022015). Collection method: clinical testing. Allele origin: germline. Not counted in ClinVar's aggregate classification.
Comment: This sequence change creates a premature translational stop signal (p.Lys1250Argfs*9) in the CFTR gene. It is expected to result in an absent or disrupted protein product. Loss-of-function variants in CFTR are known to be pathogenic (PMID: 1695717, 7691345, 9725922). This variant is present in population databases (rs121908784, gnomAD 0.009%). This premature translational stop signal has been observed in individual(s) with cystic fibrosis (PMID: 10777364, 11668613, 12865275, 15371903, 15858154, 22658665, 23974870, 26708955). This variant is also known as 3876delA. ClinVar contains an entry for this variant (Variation ID: 7231). For these reasons, this variant has been classified as Pathogenic.

Mayo Clinic Laboratories, Mayo Clinic
Classification: Pathogenic. Last evaluated: 2025-10-22. Review status: criteria provided, single submitter. Criteria: ACMG Guidelines, 2015. Collection method: clinical testing. Allele origin: germline. Observed: 3 variant alleles. Not counted in ClinVar's aggregate classification.

Otogenetics
Classification: Pathogenic for Cystic fibrosis; Congenital bilateral aplasia of vas deferens from CFTR mutation. Last evaluated: 2025-09-05. Review status: criteria provided, single submitter. Criteria: ACMG Guidelines, 2015. Collection method: clinical testing. Allele origin: germline. Not counted in ClinVar's aggregate classification.
Comment: PVS1_Strong: Frameshift variant introduces premature stop codon in gene with loss of function as mechanism of disease, predicted to undergo NMD; PM2: Maximum gnomAD MAF of 0.0087% in American (AMR) subpopulation (<0.296% threshold); PM3: Variant reported in trans in with another pathogenic variant (CFTR c.1521_1523delCTT, p.Phe508del) in five affected patients (PMID: 10777364)

Natera, Inc.
Classification: Pathogenic for CFTR-related disorders. Last evaluated: 2025-08-18. Review status: criteria provided, single submitter. Criteria: Natera Variant Classification Schema (03/2026). Collection method: clinical testing. Allele origin: germline. Not counted in ClinVar's aggregate classification.
Comment: The c.3744delA variant in CFTR is a frameshift variant predicted to shift the reading frame beginning at codon 1250 and leads to a stop codon 9 codons downstream. This variant is expected to result in nonsense mediated decay, truncation, or a dysfunctional protein product. This variant is rare in the general population with a frequency below the threshold expected for the associated phenotype(s). This variant has been observed in one or more individuals affected with the associated recessive disease, as either homozygous or compound heterozygous with a second variant (PMID: 10777364). Given the available evidence, this variant is classified as Pathogenic.

3billion
Classification: Pathogenic for Cystic fibrosis. Last evaluated: 2025-08-01. Review status: criteria provided, single submitter. Criteria: ACMG Guidelines, 2015. Collection method: clinical testing. Allele origin: germline. Affected: yes. Not counted in ClinVar's aggregate classification.
Comment: The variant is observed at an extremely low frequency in the gnomAD v4.1.0 dataset (total allele frequency: <0.001%). Predicted Consequence/Location: Frameshift: predicted to result in a loss or disruption of normal protein function through nonsense-mediated decay (NMD) or protein truncation. Multiple pathogenic variants are reported downstream of the variant. The variant has been reported multiple times as an established pathogenic variant (ClinVar ID: VCV000007231 /PMID: 10777364). Therefore, this variant is classified as Pathogenic according to the recommendation of ACMG/AMP guideline.

ARUP Laboratories, Molecular Genetics and Genomics, ARUP Laboratories
Classification: Pathogenic for Cystic fibrosis. Last evaluated: 2024-11-19. Review status: criteria provided, single submitter. Criteria: ARUP Molecular Germline Variant Investigation Process 2024. Collection method: clinical testing. Allele origin: germline. Not counted in ClinVar's aggregate classification.
Comment: The CFTR c.3744delA; p.Lys1250ArgfsTer9 variant (rs121908784), also known as 3876delA for traditional nomenclature, is reported in multiple individuals with pancreatic insufficient cystic fibrosis who carry an additional pathogenic variant in trans (CFTR2 database, Sosnay 2013, Wang 2000). This variant is reported as pathogenic in ClinVar (Variation ID: 7231). It is only observed on three alleles in the Genome Aggregation Database, indicating it is not a common polymorphism. This variant causes a frameshift by deleting a single nucleotide, so it is predicted to result in a truncated protein or mRNA subject to nonsense-mediated decay. Based on available information, this variant is considered to be pathogenic. References: CFTR2 database: Sosnay PR et al. Defining the disease liability of variants in the cystic fibrosis transmembrane conductance regulator gene. Nat Genet. 2013 Oct;45(10):1160-7. PMID: 23974870. Wang J et al. A novel mutation in the CFTR gene correlates with severe clinical phenotype in seven Hispanic patients. J Med Genet. 2000 Mar;37(3):215-8. PMID: 10777364.

Fulgent Genetics
Classification: Pathogenic for Hereditary pancreatitis; Bronchiectasis with or without elevated sweat chloride 1; Cystic fibrosis; Congenital bilateral aplasia of vas deferens from CFTR mutation. Last evaluated: 2024-04-12. Review status: criteria provided, single submitter. Criteria: ACMG Guidelines, 2015. Collection method: clinical testing. Allele origin: germline. Not counted in ClinVar's aggregate classification.

Baylor Genetics
Classification: Pathogenic for Bronchiectasis with or without elevated sweat chloride 1. Last evaluated: 2024-03-22. Review status: criteria provided, single submitter. Criteria: ACMG Guidelines, 2015. Collection method: clinical testing. Allele origin: unknown. Not counted in ClinVar's aggregate classification.

Department of Pathology and Laboratory Medicine, Sinai Health System
Classification: Pathogenic for Congenital bilateral aplasia of vas deferens from CFTR mutation; Cystic fibrosis; Bronchiectasis with or without elevated sweat chloride 1. Last evaluated: 2023-09-10. Review status: criteria provided, single submitter. Criteria: ACMG Guidelines, 2015. Collection method: research. Allele origin: germline. Not counted in ClinVar's aggregate classification.

Ambry Genetics
Classification: Pathogenic for Cystic fibrosis. Last evaluated: 2023-07-21. Review status: criteria provided, single submitter. Criteria: Ambry Variant Classification Scheme 2023. Collection method: clinical testing. Allele origin: germline. Not counted in ClinVar's aggregate classification.
Comment: The c.3744delA pathogenic mutation (also known as 3876delA), located in coding exon 23 of the CFTR gene, results from a deletion of one nucleotide at position 3744, causing a translational frameshift with a predicted alternate stop codon (p.K1250Rfs*9). This pathogenic mutation has been reported to be responsible for 1-5% of cystic fibrosis disease alleles in the Hispanic population (Wong LJ et al. Prenat Diagn. 2000;20(10):807-10; Schrijver I et al. J Mol Diagn. 2005;7(2):289-99; Sugarman EA et al. Genet Med. 2004;6(5):392-9). In one study, this mutation was detected in seven Hispanic individuals with cystic fibrosis, six of whom had a second CFTR mutation. These individuals presented with a severe clinical phenotype, including elevated sweat chloride levels, pancreatic insufficiency, and variable pulmonary function (Wang J et al. J Med Genet. 2000;37(3):215-8). This pathogenic mutation is associated with pancreatic insufficiency, decreased lung function, elevated sweat chloride levels, and a higher rate of Pseudomonas infection (Sosnay PR et al. Nat Genet. 2013;45(10):1160-1167). In addition to the clinical data presented in the literature, this alteration is expected to result in loss of function by premature protein truncation or nonsense-mediated mRNA decay. As such, this alteration is interpreted as a disease-causing mutation.

NM_000492.4(CFTR):c.3744del (p.Lys1250fs)

Genes: CFTR (CF transmembrane conductance regulator; plus strand), CFTR-AS2 (CFTR antisense RNA 2; minus strand). Cytogenetic location: 7q31.2.
Variant type: Deletion.
Coding change: c.3744del on transcript NM_000492.4 (MANE Select); coding-DNA position 3744, one base deleted (A; older notation c.3744delA).
Protein change: p.Lys1250fs; shifts the reading frame from lysine 1250.
Molecular consequence: frameshift variant.
Genome position (GRCh38, 1-based): chr7:117,642,464, A deleted. VCF-style (leftmost placement, unchanged base first): chr7-117642463-CA-C. GRCh37 (hg19) VCF-style: chr7-117282517-CA-C.
Other names: 3876delA; p.Lys1250Argfs*9; c.3744delA (NM_000492.3, NM_000492.4).
Identifiers: ClinVar variation 7231 (VCV000007231.127), dbSNP rs121908784, ClinGen allele CA325611.
Genomic context (GRCh38, chr7:117,642,463, plus strand): 5'-GTCACAGAAGTGATCCCATCACTTTTACCTTATAGGTGGGCCTCTTGGGAAGAACTGGAT[CA>C]GGGAAGAGTACTTTGTTATCAGCTTTTTTGAGACTACTGAACACTGAAGGAGAAATCCAG-3'